The following is an entry in ClinVar:

ClinVar aggregate classification (germline): Likely pathogenic (1 of 4 stars; one submission).

Conditions:
Sitosterolemia (STSL). Also called: PHYTOSTEROLEMIA. Identifiers: Orphanet 2882, MedGen C0342907, MONDO:0008863.

Submission:

Labcorp Genetics (formerly Invitae), Labcorp
Classification: Likely pathogenic for Sitosterolemia. Last evaluated: 2023-05-16. Review status: criteria provided, single submitter. Criteria: Invitae Variant Classification Sherloc (09022015). Collection method: clinical testing. Allele origin: germline.
Comment: In summary, the currently available evidence indicates that the variant is pathogenic, but additional data are needed to prove that conclusively. Therefore, this variant has been classified as Likely Pathogenic. Algorithms developed to predict the effect of sequence changes on RNA splicing suggest that this variant may disrupt the consensus splice site. This variant has not been reported in the literature in individuals affected with ABCG5-related conditions. This variant is present in population databases (rs754893727, gnomAD 0.007%). This variant results in the deletion of part of exon 9 of the ABCG5 gene. It is expected to disrupt RNA splicing. Variants that disrupt the donor or acceptor splice site typically lead to a loss of protein function (PMID: 16199547), and loss-of-function variants in ABCG5 are known to be pathogenic (PMID: 11138003, 25665839).

Literature cited by the submitters: PubMed 16199547; PubMed 11138003; PubMed 25665839.

NM_022436.3(ABCG5):c.1324_1324+15del

Genes: ABCG5 (ATP binding cassette subfamily G member 5; minus strand), DYNC2LI1 (dynein cytoplasmic 2 light intermediate chain 1; plus strand). Cytogenetic location: 2p21.
Variant type: Deletion.
Coding change: c.1324_1324+15del on transcript NM_022436.3 (MANE Select); coding-DNA position 1324 through 15 bases into the intron after coding-DNA position 1324, 16 bases deleted (TGTAAGTGCCCACGTG).
Molecular consequence: splice donor variant. On other transcripts: intron variant (2).
Genome position (GRCh38, 1-based): chr2:43,823,898-43,823,913, CACGTGGGCACTTACA deleted on the plus strand (TGTAAGTGCCCACGTG on the coding strand, the reverse complement: ABCG5 is on the minus strand); deleting any 16 consecutive bases within chr2:43,823,898-43,823,915 gives the same sequence; the c. name uses the placement nearest the transcript's 3' end. VCF-style (leftmost placement, unchanged base first): chr2-43823897-GCACGTGGGCACTTACA-G. GRCh37 (hg19) VCF-style: chr2-44051036-GCACGTGGGCACTTACA-G.
Other names: c.*16-3486_*16-3471del (NM_001348913.2, NM_001348912.2).
Identifiers: ClinVar variation 2864473 (VCV002864473.3), dbSNP rs754893727, ClinGen allele CA1636331.